The following is an entry in ClinVar:

ClinVar aggregate classification (germline): Conflicting classifications of pathogenicity. Review status: criteria provided, conflicting classifications (1 of 4 stars). 7 submissions from 7 submitters: Uncertain significance (5); Benign (1); Likely benign (1). Last evaluated 2026-05-01.

Conditions:
Hereditary cancer-predisposing syndrome. Also called: Hereditary Cancer Syndrome; Neoplastic Syndromes, Hereditary; Tumor predisposition; Hereditary neoplastic syndrome. Identifiers: Orphanet 140162, MedGen C0027672, MeSH D009386, MONDO:0015356.
Peutz-Jeghers syndrome (PJS). Also called: POLYPOSIS, HAMARTOMATOUS INTESTINAL; POLYPS-AND-SPOTS SYNDROME; Peutz-Jeghers polyposis; Periorificial lentiginosis syndrome. Identifiers: Orphanet 2869, MedGen C0031269, MeSH D010580, MONDO:0008280, OMIM 175200.

Allele frequency attached by ClinVar (database versions not stated): gnomAD exomes 0.00001; TOPMed 0.00001.
gnomAD v4.1: 15 of 1,548,296 alleles (0.00097%); highest among the groups gnomAD compares: Non-Finnish European, 0.001%; no homozygotes.

Submissions (7):

Ambry Genetics
Classification: Uncertain significance for Hereditary cancer-predisposing syndrome. Last evaluated: 2026-05-01. Review status: criteria provided, single submitter. Criteria: Ambry Variant Classification Scheme 2023. Collection method: clinical testing. Allele origin: germline.
Comment: The p.R425H variant (also known as c.1274G>A), located in coding exon 9 of the STK11 gene, results from a G to A substitution at nucleotide position 1274. The arginine at codon 425 is replaced by histidine, an amino acid with highly similar properties. This amino acid position is highly conserved in available vertebrate species. In addition, the in silico prediction for this alteration is inconclusive. Based on the available evidence, the clinical significance of this variant remains unclear.

Labcorp Genetics (formerly Invitae), Labcorp
Classification: Benign for Peutz-Jeghers syndrome. Last evaluated: 2026-01-17. Review status: criteria provided, single submitter. Criteria: Invitae Variant Classification Sherloc (09022015). Collection method: clinical testing. Allele origin: germline.

Hema, HEMA – Genetic and Molecular Diagnostic Laboratory
Classification: Uncertain significance for Peutz-Jeghers syndrome. Last evaluated: 2025-03-14. Review status: criteria provided, single submitter. Criteria: HEMA Variant Classification Assertion Criteria. Collection method: clinical testing. Allele origin: germline.
Comment: It is a transition from guanine to adenine, resulting in the substitution of arginine 425 by histidine in the STK11 protein. The frequency of the variant in gnomAD v4.1.0 does not allow the application of frequency criteria, and the score from the metapredictor REVEL is not conclusive. Therefore, and in the absence of further evidence, this variant is classified as a variant of uncertain significance.

Color Diagnostics, LLC DBA Color Health
Classification: Likely benign for Hereditary cancer-predisposing syndrome. Last evaluated: 2025-02-10. Review status: criteria provided, single submitter. Criteria: ACMG Guidelines, 2015. Collection method: clinical testing. Allele origin: germline.

All of Us Research Program, National Institutes of Health
Classification: Uncertain significance for Peutz-Jeghers syndrome. Last evaluated: 2024-09-23. Review status: criteria provided, single submitter. Criteria: ACMG Guidelines, 2015. Collection method: clinical testing. Allele origin: germline. Inheritance: Autosomal dominant inheritance. Observed: 2 variant alleles, 2 heterozygotes.
Comment: This missense variant replaces arginine with histidine at codon 425 of the STK11 protein. Computational prediction is inconclusive regarding the impact of this variant on protein structure and function (internally defined REVEL score threshold 0.5 < inconclusive < 0.7, PMID: 27666373). To our knowledge, functional studies have not been reported for this variant. This variant has not been reported in individuals affected with hereditary cancer in the literature. This variant has been identified in 1/146880 chromosomes in the general population by the Genome Aggregation Database (gnomAD). The available evidence is insufficient to determine the role of this variant in disease conclusively. Therefore, this variant is classified as a Variant of Uncertain Significance.

This study involves interpretation of variants in research participants for the purpose of population health screening. Participant phenotype was not available at the time of variant classification. Additional details can be found in publication PMID: 35346344, PMCID: PMC8962531

GeneDx
Classification: Uncertain significance. Last evaluated: 2023-06-12. Review status: criteria provided, single submitter. Criteria: GeneDx Variant Classification Process June 2021. Collection method: clinical testing. Allele origin: germline. Affected: yes.
Comment: Not observed at significant frequency in large population cohorts (gnomAD); In silico analysis supports that this missense variant does not alter protein structure/function; Has not been previously published as pathogenic or benign to our knowledge; This variant is associated with the following publications: (PMID: 22675565, 28900777)

Genome-Nilou Lab
Classification: Uncertain significance for Peutz-Jeghers syndrome. Last evaluated: 2021-07-15. Review status: criteria provided, single submitter. Criteria: ACMG Guidelines, 2015. Collection method: clinical testing. Allele origin: germline. Affected: no.

NM_000455.5(STK11):c.1274G>A (p.Arg425His)

Gene: STK11 (serine/threonine kinase 11; plus strand). Cytogenetic location: 19p13.3.
Variant type: single nucleotide variant.
Coding change: c.1274G>A on transcript NM_000455.5 (MANE Select); coding-DNA position 1274, G replaced by A.
Protein change: p.Arg425His; replaces arginine 425 with histidine.
Molecular consequence: missense variant.
Genome position (GRCh38, 1-based): chr19:1,226,619, G>A. VCF-style: chr19-1226619-G-A. GRCh37 (hg19) VCF-style: chr19-1226618-G-A.
Other names: p.R425H:CGC>CAC; short protein forms R425H.
Identifiers: ClinVar variation 182920 (VCV000182920.30), dbSNP rs730881992, ClinGen allele CA022577.